The following is an entry in ClinVar:

ClinVar aggregate classification (germline): Uncertain significance (1 of 4 stars; one submission).

gnomAD v4.1: 46 of 1,612,424 alleles (0.0029%); highest among the groups gnomAD compares: East Asian, 0.047%; no homozygotes.

Submission:

Labcorp Genetics (formerly Invitae), Labcorp
Classification: Uncertain significance. Last evaluated: 2024-11-28. Review status: criteria provided, single submitter. Criteria: Invitae Variant Classification Sherloc (09022015). Collection method: clinical testing. Allele origin: germline.
Comment: This sequence change replaces threonine, which is neutral and polar, with methionine, which is neutral and non-polar, at codon 474 of the SLC6A19 protein (p.Thr474Met). This variant is present in population databases (rs202126249, gnomAD 0.09%). This variant has not been reported in the literature in individuals affected with SLC6A19-related conditions. Invitae Evidence Modeling of protein sequence and biophysical properties (such as structural, functional, and spatial information, amino acid conservation, physicochemical variation, residue mobility, and thermodynamic stability) indicates that this missense variant is not expected to disrupt SLC6A19 protein function with a negative predictive value of 80%. In summary, the available evidence is currently insufficient to determine the role of this variant in disease. Therefore, it has been classified as a Variant of Uncertain Significance.

NM_001003841.3(SLC6A19):c.1421C>T (p.Thr474Met)

Gene: SLC6A19 (solute carrier family 6 member 19; plus strand). Cytogenetic location: 5p15.33.
Variant type: single nucleotide variant.
Coding change: c.1421C>T on transcript NM_001003841.3 (MANE Select); coding-DNA position 1421, C replaced by T.
Protein change: p.Thr474Met; replaces threonine 474 with methionine.
Molecular consequence: missense variant.
Genome position (GRCh38, 1-based): chr5:1,219,547, C>T. VCF-style: chr5-1219547-C-T. GRCh37 (hg19) VCF-style: chr5-1219662-C-T.
Other names: short protein forms T474M.
Identifiers: ClinVar variation 3631549 (VCV003631549.1).